The following is an entry in ClinVar:

NM_001127464.1:c.1922C>T

Gene: ZNF469 (zinc finger protein 469; plus strand).
Variant type: single nucleotide variant.
Identifiers: ClinVar variation 4615536 (VCV004615536.1).

ClinVar aggregate classification (germline): Uncertain significance (1 of 4 stars; one submission).

Conditions:
Cardiovascular phenotype. Identifiers: MedGen CN230736.

Submission:

Ambry Genetics
Classification: Uncertain significance for Cardiovascular phenotype. Last evaluated: 2025-12-10. Review status: criteria provided, single submitter. Criteria: Ambry Variant Classification Scheme 2023. Collection method: clinical testing. Allele origin: germline.
Comment: The p.P641L variant (also known as c.1922C>T), located in coding exon 1 of the ZNF469 gene, results from a C to T substitution at nucleotide position 1922. The proline at codon 641 is replaced by leucine, an amino acid with similar properties. This amino acid position is conserved. In addition, this alteration is predicted to be tolerated by in silico analysis. Based on the available evidence, the clinical significance of this variant remains unclear.